The following is an entry in ClinVar:

ClinVar aggregate classification (germline): Likely pathogenic (1 of 4 stars; one submission).

Conditions:
Familial meningioma. Also called: Meningioma, familial, susceptibility to. Identifiers: Orphanet 263662, MedGen C3551915, MONDO:0011789, OMIM 607174.

Submission:

Labcorp Genetics (formerly Invitae), Labcorp
Classification: Likely pathogenic for Familial meningioma. Last evaluated: 2021-03-29. Review status: criteria provided, single submitter. Criteria: Invitae Variant Classification Sherloc (09022015). Collection method: clinical testing. Allele origin: germline.
Comment: This variant has not been reported in the literature in individuals with SMARCE1-related conditions. This variant is not present in population databases (ExAC no frequency). This sequence change affects an acceptor splice site in intron 9 of the SMARCE1 gene. It is expected to disrupt RNA splicing. Variants that disrupt the donor or acceptor splice site typically lead to a loss of protein function (PMID: 16199547), and loss-of-function variants in SMARCE1 are known to be pathogenic (PMID: 23377182). In summary, the currently available evidence indicates that the variant is pathogenic, but additional data are needed to prove that conclusively. Therefore, this variant has been classified as Likely Pathogenic. Algorithms developed to predict the effect of sequence changes on RNA splicing suggest that this variant may disrupt the consensus splice site, but this prediction has not been confirmed by published transcriptional studies.

Literature cited by the submitters: PubMed 16199547; PubMed 23377182.

NM_003079.5(SMARCE1):c.817-2A>G

Gene: SMARCE1 (SWI/SNF related BAF chromatin remodeling complex subunit E1; minus strand). Cytogenetic location: 17q21.2.
Variant type: single nucleotide variant.
Coding change: c.817-2A>G on transcript NM_003079.5 (MANE Select); the canonical splice acceptor site of the intron before coding-DNA position 817, A replaced by G.
Molecular consequence: splice acceptor variant.
Genome position (GRCh38, 1-based): chr17:40,630,926, T>C on the plus strand (A>G on the coding strand, the complement: SMARCE1 is on the minus strand). VCF-style: chr17-40630926-T-C. GRCh37 (hg19) VCF-style: chr17-38787178-T-C.
Identifiers: ClinVar variation 1499791 (VCV001499791.8), dbSNP rs2143985266, ClinGen allele CA399364026.